The following continues an entry in ClinVar:

NM_022168.4(IFIH1):c.1641+1G>C

Gene: IFIH1. ClinVar aggregate classification (germline): Conflicting classifications of pathogenicity. Uncertain significance (6); Benign (4); Likely benign (1).

Submissions 79 to 85 of 85:

Dr. Peter K. Rogan Lab, Western University
No classification provided (evidence only). Condition: Familial pancreatic carcinoma. Review status: no classification provided. Collection method: in vitro. Allele origin: not applicable. Functional consequence: skipped exon, retained intron. Not counted in ClinVar's aggregate classification.

Dr. Peter K. Rogan Lab, Western University
No classification provided (evidence only). Condition: Lymphoma. Review status: no classification provided. Collection method: in vitro. Allele origin: not applicable. Functional consequence: skipped exon. Not counted in ClinVar's aggregate classification.

Dr. Peter K. Rogan Lab, Western University
No classification provided (evidence only). Condition: Ovarian cancer. Review status: no classification provided. Collection method: in vitro. Allele origin: not applicable. Functional consequence: skipped exon. Not counted in ClinVar's aggregate classification.

Dr. Peter K. Rogan Lab, Western University
No classification provided (evidence only). Condition: Ovarian cancer. Review status: no classification provided. Collection method: in vitro. Allele origin: not applicable. Functional consequence: skipped exon. Not counted in ClinVar's aggregate classification.

Dubai Health Genomic Medicine Center, Dubai Health
Classification: Likely pathogenic. Last evaluated: 2022-12-17. Review status: flagged submission. Criteria: ACMG Guidelines, 2015. Collection method: clinical testing. Allele origin: germline. Affected: yes. Not counted in ClinVar's aggregate classification.
ClinVar note: Reason: This record appears to be redundant with a more recent record from the same submitter.
ClinVar note: Notes: SCV002818173 appears to be redundant with SCV003798464.
ClinVar note: Reason: Outlier claim with insufficient supporting evidence

Dubai Health Genomic Medicine Center, Dubai Health
Classification: Likely risk allele for Susceptibility to severe COVID-19. Last evaluated: 2022-07-01. Review status: flagged submission. Collection method: research. Allele origin: germline. Affected: yes. Not counted in ClinVar's aggregate classification.
ClinVar note: Reason: This record appears to be redundant with a more recent record from the same submitter.
ClinVar note: Notes: SCV003798464 appears to be redundant with SCV001448260.

Dubai Health Genomic Medicine Center, Dubai Health
Classification: risk factor for Multisystem inflammatory syndrome in children. Last evaluated: 2021-11-14. Review status: flagged submission. Collection method: research. Allele origin: germline. Affected: yes. Not counted in ClinVar's aggregate classification.
ClinVar note: Reason: This record appears to be redundant with a more recent record from the same submitter.
ClinVar note: Notes: SCV002014779 appears to be redundant with SCV003798464.

Literature cited by the submitters: PubMed 19264985 (cited by Mayo Clinic Laboratories, Mayo Clinic); PubMed 28716935 (cited by Mayo Clinic Laboratories, Mayo Clinic); PubMed 33440462 (cited by Mayo Clinic Laboratories, Mayo Clinic); PubMed 34975878 (cited by Mayo Clinic Laboratories, Mayo Clinic); PubMed 36703223 (cited by Mayo Clinic Laboratories, Mayo Clinic); PubMed 38757311 (cited by Mayo Clinic Laboratories, Mayo Clinic).